The following is an entry in ClinVar:

NM_182961.4(SYNE1):c.11490G>A (p.Gln3830=)

Gene: SYNE1 (spectrin repeat containing nuclear envelope protein 1; minus strand). Cytogenetic location: 6q25.2.
Variant type: single nucleotide variant.
Coding change: c.11490G>A on transcript NM_182961.4 (MANE Select); coding-DNA position 11490, G replaced by A.
Protein change: p.Gln3830=; no amino-acid change (glutamine 3830 retained).
Molecular consequence: synonymous variant.
Genome position (GRCh38, 1-based): chr6:152,352,117, C>T on the plus strand (G>A on the coding strand, the complement: SYNE1 is on the minus strand). VCF-style: chr6-152352117-C-T. GRCh37 (hg19) VCF-style: chr6-152673252-C-T.
Other names: c.11445G>A, p.Gln3815= (NM_033071.5).
Identifiers: ClinVar variation 499634 (VCV000499634.12), dbSNP rs746623465, ClinGen allele CA4056681.

ClinVar aggregate classification (germline): Conflicting classifications of pathogenicity. Review status: criteria provided, conflicting classifications (1 of 4 stars). 3 submissions from 3 submitters: Uncertain significance (1); Likely benign (2). Last evaluated 2025-02-06.

Conditions:
Emery-Dreifuss muscular dystrophy 4, autosomal dominant (EDMD4). Also called: EMERY-DREIFUSS MUSCULAR DYSTROPHY 4 WITH VARIABLE FEATURES. Identifiers: Orphanet 261, MedGen C2751807, MONDO:0013071, OMIM 612998.
Autosomal recessive ataxia, Beauce type. Also called: SYNE1 Deficiency; Spinocerebellar ataxia, autosomal recessive 8; ATAXIA, RECESSIVE, OF BEAUCE; SYNE1-Related Autosomal Recessive Cerebellar Ataxia. Identifiers: Orphanet 88644, MedGen C1853116, MONDO:0012549, OMIM 610743.

Allele frequency attached by ClinVar (database versions not stated): gnomAD 0.00001 and 0.00003; gnomAD exomes 0.00001 and 0.00003; ExAC 0.00002; TOPMed 0.00002.
gnomAD v4.1: 49 of 1,614,124 alleles (0.003%); highest among the groups gnomAD compares: Middle Eastern, 0.033%; no homozygotes.

Submissions (3):

Labcorp Genetics (formerly Invitae), Labcorp
Classification: Likely benign for Emery-Dreifuss muscular dystrophy 4, autosomal dominant; Autosomal recessive ataxia, Beauce type. Last evaluated: 2025-02-06. Review status: criteria provided, single submitter. Criteria: Invitae Variant Classification Sherloc (09022015). Collection method: clinical testing. Allele origin: germline.

GeneDx
Classification: Likely benign. Last evaluated: 2017-01-19. Review status: criteria provided, single submitter. Criteria: GeneDx Variant Classification (06012015). Collection method: clinical testing. Allele origin: germline. Affected: yes.
Comment: This variant is considered likely benign or benign based on one or more of the following criteria: it is a conservative change, it occurs at a poorly conserved position in the protein, it is predicted to be benign by multiple in silico algorithms, and/or has population frequency not consistent with disease.

Eurofins Ntd Llc (ga)
Classification: Uncertain significance. Last evaluated: 2017-01-12. Review status: criteria provided, single submitter. Criteria: EGL Classification Definitions 2015. Collection method: clinical testing. Allele origin: germline. Observed: 1 variant allele, 1 heterozygote.